The following is an entry in ClinVar:

NM_173560.4(RFX6):c.2623C>T (p.Gln875Ter)

Gene: RFX6 (regulatory factor X6; plus strand). Cytogenetic location: 6q22.1.
Variant type: single nucleotide variant.
Coding change: c.2623C>T on transcript NM_173560.4 (MANE Select); coding-DNA position 2623, C replaced by T.
Protein change: p.Gln875Ter; replaces glutamine 875 with a stop codon.
Molecular consequence: nonsense.
Genome position (GRCh38, 1-based): chr6:116,931,342, C>T. VCF-style: chr6-116931342-C-T. GRCh37 (hg19) VCF-style: chr6-117252505-C-T.
Other names: short protein forms Q875*.
Identifiers: ClinVar variation 4975189 (VCV004975189.2), dbSNP rs370656013.

ClinVar aggregate classification (germline): Uncertain significance (1 of 4 stars; one submission).

gnomAD v4.1: 5 of 1,611,930 alleles (0.00031%); highest among the groups gnomAD compares: Admixed American, 0.0017%; no homozygotes.

Submission:

GeneDx
Classification: Uncertain significance. Last evaluated: 2026-10-14. Review status: criteria provided, single submitter. Criteria: GeneDx Variant Classification Process June 2021. Collection method: clinical testing. Allele origin: germline.
Comment: Nonsense variant predicted to result in protein truncation as the last 54 amino acids are lost; This variant is associated with the following publications: (PMID: 38587174)